The following is an entry in ClinVar:

ClinVar aggregate classification (germline): Uncertain significance. Review status: criteria provided, single submitter (1 of 4 stars). 2 submissions from 2 submitters: Uncertain significance (1). 1 of the submissions does not count toward it. Last evaluated 2022-05-28.

Conditions:
Glycogen storage disease type III (GSD3). Also called: Cori disease; FORBES DISEASE. Identifiers: Orphanet 366, MedGen C0017922, MONDO:0009291, OMIM 232400.

Allele frequency attached by ClinVar (database versions not stated): gnomAD exomes 0.00001.
gnomAD v4.1: 6 of 1,613,276 alleles (0.00037%); highest among the groups gnomAD compares: South Asian, 0.0055%; no homozygotes.

Submissions (2):

Labcorp Genetics (formerly Invitae), Labcorp
Classification: Uncertain significance for Glycogen storage disease type III. Last evaluated: 2022-05-28. Review status: criteria provided, single submitter. Criteria: Invitae Variant Classification Sherloc (09022015). Collection method: clinical testing. Allele origin: germline.
Comment: This sequence change replaces isoleucine, which is neutral and non-polar, with valine, which is neutral and non-polar, at codon 802 of the AGL protein (p.Ile802Val). This variant is not present in population databases (gnomAD no frequency). This variant has not been reported in the literature in individuals affected with AGL-related conditions. Algorithms developed to predict the effect of missense changes on protein structure and function output the following: SIFT: "Tolerated"; PolyPhen-2: "Benign"; Align-GVGD: "Class C0". The valine amino acid residue is found in multiple mammalian species, which suggests that this missense change does not adversely affect protein function. In summary, the available evidence is currently insufficient to determine the role of this variant in disease. Therefore, it has been classified as a Variant of Uncertain Significance.

Natera, Inc.
Classification: Uncertain significance for Glycogen storage disease type III. Last evaluated: 2025-04-10. Review status: no assertion criteria provided. Collection method: clinical testing. Allele origin: germline. Not counted in ClinVar's aggregate classification.

NM_000642.3(AGL):c.2404A>G (p.Ile802Val)

Gene: AGL (amylo-alpha-1,6-glucosidase and 4-alpha-glucanotransferase; plus strand). Cytogenetic location: 1p21.2.
Variant type: single nucleotide variant.
Coding change: c.2404A>G on transcript NM_000642.3 (MANE Select); coding-DNA position 2404, A replaced by G.
Protein change: p.Ile802Val; replaces isoleucine 802 with valine.
Molecular consequence: missense variant.
Genome position (GRCh38, 1-based): chr1:99,884,215, A>G. VCF-style: chr1-99884215-A-G. GRCh37 (hg19) VCF-style: chr1-100349771-A-G.
Other names: c.2404A>G, p.Ile802Val (NM_000028.3, NM_000643.3, NM_000644.3 and 2 more transcripts); c.2404A>G (NM_000642.2); c.2356A>G, p.Ile786Val (NM_000646.3); c.2203A>G, p.Ile735Val (NM_001425327.1); c.2200A>G, p.Ile734Val (NM_001425328.1, NM_001425329.1); c.2026A>G, p.Ile676Val (NM_001425332.1); short protein forms I786V, I802V, I676V, I734V, I735V.
Identifiers: ClinVar variation 1970486 (VCV001970486.3), dbSNP rs1652268687, ClinGen allele CA341320883.